The following is an entry in ClinVar:

NM_015346.4(ZFYVE26):c.258G>A (p.Trp86Ter)

Gene: ZFYVE26 (zinc finger FYVE-type containing 26; minus strand). Cytogenetic location: 14q24.1.
Variant type: single nucleotide variant.
Coding change: c.258G>A on transcript NM_015346.4 (MANE Select); coding-DNA position 258, G replaced by A.
Protein change: p.Trp86Ter; replaces tryptophan 86 with a stop codon.
Molecular consequence: nonsense.
Genome position (GRCh38, 1-based): chr14:67,814,001, C>T on the plus strand (G>A on the coding strand, the complement: ZFYVE26 is on the minus strand). VCF-style: chr14-67814001-C-T. GRCh37 (hg19) VCF-style: chr14-68280718-C-T.
Other names: short protein forms W86*.
Identifiers: ClinVar variation 5012797 (VCV005012797.1).

ClinVar aggregate classification (germline): Pathogenic (1 of 4 stars; one submission).

Conditions:
Hereditary spastic paraplegia 15 (SPG15). Also called: SPASTIC PARAPLEGIA 15, AUTOSOMAL RECESSIVE; KJELLIN SYNDROME; SPASTIC PARAPLEGIA AND RETINAL DEGENERATION. Identifiers: Orphanet 100996, MedGen C1849128, MONDO:0010044, OMIM 270700.

Submission:

Myriad Genetics, Inc.
Classification: Pathogenic for Hereditary spastic paraplegia 15. Last evaluated: 2024-03-02. Review status: criteria provided, single submitter. Criteria: Myriad Autosomal Dominant, Autosomal Recessive and X-Linked Classification Criteria (2023). Collection method: clinical testing. Allele origin: unknown.
Comment: NM_015346.3(ZFYVE26):c.258G>A(W86*) is expected to be pathogenic in the context of spastic paraplegia type 15. This variant is predicted to lead to an abnormal or absent protein product due to the creation of a premature termination codon in ZFYVE26, a gene where loss-of-function variants are known to be pathogenic. Please note: this variant was assessed in the context of healthy population screening.